The following is an entry in ClinVar:

ClinVar aggregate classification (germline): Uncertain significance (1 of 4 stars; one submission).

Conditions:
Dyskeratosis congenita, autosomal recessive 5 (DKCB5). Identifiers: MedGen C3554656, MONDO:0014076, OMIM 615190.
Pulmonary fibrosis and/or bone marrow failure, Telomere-related, 3. Also called: PULMONARY FIBROSIS AND/OR BONE MARROW FAILURE SYNDROME, TELOMERE-RELATED, 3. Identifiers: Orphanet 2032, MedGen C4225346, MONDO:0014613, OMIM 616373.

gnomAD v4.1: 1 of 1,612,424 alleles (0.000062%); highest among the groups gnomAD compares: Non-Finnish European, 0.000085%; no homozygotes.

Submission:

Labcorp Genetics (formerly Invitae), Labcorp
Classification: Uncertain significance for Dyskeratosis congenita, autosomal recessive 5; Pulmonary fibrosis and/or bone marrow failure, Telomere-related, 3. Last evaluated: 2025-08-03. Review status: criteria provided, single submitter. Criteria: Invitae Variant Classification Sherloc (09022015). Collection method: clinical testing. Allele origin: germline.
Comment: This sequence change falls in intron 29 of the RTEL1 gene. It does not directly change the encoded amino acid sequence of the RTEL1 protein. It affects a nucleotide within the consensus splice site. This variant is not present in population databases (gnomAD no frequency). This variant has not been reported in the literature in individuals affected with RTEL1-related conditions. Variants that disrupt the consensus splice site are a relatively common cause of aberrant splicing (PMID: 17576681, 9536098). Algorithms developed to predict the effect of sequence changes on RNA splicing suggest that this variant is not likely to affect RNA splicing. In summary, the available evidence is currently insufficient to determine the role of this variant in disease. Therefore, it has been classified as a Variant of Uncertain Significance.

Literature cited by the submitters: PubMed 17576681; PubMed 9536098.

NM_001283009.2(RTEL1):c.2851+6C>T

Genes: RTEL1 (regulator of telomere elongation helicase 1; plus strand), RTEL1-TNFRSF6B (RTEL1-TNFRSF6B readthrough (NMD candidate); plus strand). Cytogenetic location: 20q13.33.
Variant type: single nucleotide variant.
Coding change: c.2851+6C>T on transcript NM_001283009.2 (MANE Select); 6 bases into the intron after coding-DNA position 2851, C replaced by T.
Molecular consequence: intron variant.
Genome position (GRCh38, 1-based): chr20:63,693,009, C>T. VCF-style: chr20-63693009-C-T. GRCh37 (hg19) VCF-style: chr20-62324362-C-T.
Other names: c.2182+6C>T (NM_001283010.1); c.2923+6C>T (NM_032957.5); c.2851+6C>T (NM_016434.4).
Identifiers: ClinVar variation 4790480 (VCV004790480.1).